The following is an entry in ClinVar:

NM_002478.5(MYOD1):c.225A>C (p.Ala75=)

Gene: MYOD1 (myogenic differentiation 1; plus strand). Cytogenetic location: 11p15.1.
Variant type: single nucleotide variant.
Coding change: c.225A>C on transcript NM_002478.5 (MANE Select); coding-DNA position 225, A replaced by C.
Protein change: p.Ala75=; no amino-acid change (alanine 75 retained).
Molecular consequence: synonymous variant.
Genome position (GRCh38, 1-based): chr11:17,720,007, A>C. VCF-style: chr11-17720007-A-C. GRCh37 (hg19) VCF-style: chr11-17741554-A-C.
Identifiers: ClinVar variation 3057336 (VCV003057336.2), dbSNP rs202101200, ClinGen allele CA5906414.

ClinVar aggregate classification (germline): Likely benign (0 of 4 stars; one submission).

Conditions:
MYOD1-related disorder. Also called: MYOD1-related condition.

Allele frequency attached by ClinVar (database versions not stated): gnomAD exomes 0.00003; TOPMed 0.00006; ExAC 0.00008; gnomAD 0.00008; 1000 Genomes Project 0.00120; 1000 Genomes Project 30x 0.00125.

Submission:

PreventionGenetics, part of Exact Sciences
Classification: Likely benign for MYOD1-related condition. Last evaluated: 2019-03-20. Review status: no assertion criteria provided. Collection method: clinical testing. Allele origin: germline.
Comment: This variant is classified as likely benign based on ACMG/AMP sequence variant interpretation guidelines (Richards et al. 2015 PMID: 25741868, with internal and published modifications).